The following is an entry in ClinVar:

ClinVar aggregate classification (germline): Uncertain significance (1 of 4 stars; one submission).

Conditions:
Cowden syndrome (CS). Also called: Cowden's disease; Cowden's syndrome; Cowden disease. Identifiers: Orphanet 201, MedGen C0018553, MONDO:0016063. Disease mechanism: gain of function.

Allele frequency attached by ClinVar (database versions not stated): gnomAD exomes below 0.00001; TOPMed below 0.00001; gnomAD 0.00001.
gnomAD v4.1: 2 of 1,613,934 alleles (0.00012%); highest among the groups gnomAD compares: Non-Finnish European, 0.00017%; no homozygotes.

Submission:

Labcorp Genetics (formerly Invitae), Labcorp
Classification: Uncertain significance for Cowden syndrome. Last evaluated: 2021-06-24. Review status: criteria provided, single submitter. Criteria: Invitae Variant Classification Sherloc (09022015). Collection method: clinical testing. Allele origin: germline.
Comment: In summary, the available evidence is currently insufficient to determine the role of this variant in disease. Therefore, it has been classified as a Variant of Uncertain Significance. Advanced modeling of protein sequence and biophysical properties (such as structural, functional, and spatial information, amino acid conservation, physicochemical variation, residue mobility, and thermodynamic stability) performed at Invitae indicates that this missense variant is not expected to disrupt PIK3CA protein function. This variant has not been reported in the literature in individuals with PIK3CA-related conditions. This variant is not present in population databases (ExAC no frequency). This sequence change replaces methionine with valine at codon 489 of the PIK3CA protein (p.Met489Val). The methionine residue is highly conserved and there is a small physicochemical difference between methionine and valine.

NM_006218.4(PIK3CA):c.1465A>G (p.Met489Val)

Gene: PIK3CA (phosphatidylinositol-4,5-bisphosphate 3-kinase catalytic subunit alpha; plus strand). Cytogenetic location: 3q26.32.
Variant type: single nucleotide variant.
Coding change: c.1465A>G on transcript NM_006218.4 (MANE Select); coding-DNA position 1465, A replaced by G.
Protein change: p.Met489Val; replaces methionine 489 with valine.
Molecular consequence: missense variant.
Genome position (GRCh38, 1-based): chr3:179,210,491, A>G. VCF-style: chr3-179210491-A-G. GRCh37 (hg19) VCF-style: chr3-178928279-A-G.
Other names: short protein forms M489V.
Identifiers: ClinVar variation 1439027 (VCV001439027.8), dbSNP rs1187304552, ClinGen allele CA355262556.